The following is an entry in ClinVar:

ClinVar aggregate classification (germline): Uncertain significance. Review status: criteria provided, multiple submitters, no conflicts (2 of 4 stars). 2 submissions from 2 submitters: Uncertain significance (2). Last evaluated 2024-04-22.

Conditions:
Inborn genetic diseases. Identifiers: MedGen C0950123, MeSH D030342.

Allele frequency attached by ClinVar (database versions not stated): gnomAD exomes below 0.00001.

Submissions (2):

Labcorp Genetics (formerly Invitae), Labcorp
Classification: Uncertain significance. Last evaluated: 2024-04-22. Review status: criteria provided, single submitter. Criteria: Invitae Variant Classification Sherloc (09022015). Collection method: clinical testing. Allele origin: germline.
Comment: This sequence change replaces threonine, which is neutral and polar, with isoleucine, which is neutral and non-polar, at codon 41 of the NLRP1 protein (p.Thr41Ile). This variant is not present in population databases (gnomAD no frequency). This variant has not been reported in the literature in individuals affected with NLRP1-related conditions. ClinVar contains an entry for this variant (Variation ID: 2480724). Algorithms developed to predict the effect of missense changes on protein structure and function output the following: SIFT: "Not Available"; PolyPhen-2: "Benign"; Align-GVGD: "Not Available". The isoleucine amino acid residue is found in multiple mammalian species, which suggests that this missense change does not adversely affect protein function. In summary, the available evidence is currently insufficient to determine the role of this variant in disease. Therefore, it has been classified as a Variant of Uncertain Significance.

Ambry Genetics
Classification: Uncertain significance for Inborn genetic diseases. Last evaluated: 2023-02-06. Review status: criteria provided, single submitter. Criteria: Ambry Variant Classification Scheme 2023. Collection method: clinical testing. Allele origin: germline.

NM_033004.4(NLRP1):c.122C>T (p.Thr41Ile)

Gene: NLRP1 (NLR family pyrin domain containing 1; minus strand). Cytogenetic location: 17p13.2.
Variant type: single nucleotide variant.
Coding change: c.122C>T on transcript NM_033004.4 (MANE Select); coding-DNA position 122, C replaced by T.
Protein change: p.Thr41Ile; replaces threonine 41 with isoleucine.
Molecular consequence: missense variant.
Genome position (GRCh38, 1-based): chr17:5,583,836, G>A on the plus strand (C>T on the coding strand, the complement: NLRP1 is on the minus strand). VCF-style: chr17-5583836-G-A. GRCh37 (hg19) VCF-style: chr17-5487156-G-A.
Other names: c.122C>T, p.Thr41Ile (NM_001033053.3, NM_014922.5, NM_033006.4 and 1 more transcripts); short protein forms T41I.
Identifiers: ClinVar variation 2480724 (VCV002480724.4), dbSNP rs1905986334, ClinGen allele CA397391143.